The following is an entry in ClinVar:

ClinVar aggregate classification (germline): Uncertain significance. Review status: criteria provided, multiple submitters, no conflicts (2 of 4 stars). 2 submissions from 2 submitters: Uncertain significance (2). Last evaluated 2023-04-10.

Conditions:
Hereditary nonpolyposis colorectal neoplasms. Identifiers: MedGen C0009405, MeSH D003123.
Hereditary cancer-predisposing syndrome. Also called: Neoplastic Syndromes, Hereditary; Tumor predisposition; Hereditary Cancer Syndrome; Hereditary neoplastic syndrome. Identifiers: Orphanet 140162, MedGen C0027672, MeSH D009386, MONDO:0015356.

Submissions (2):

Labcorp Genetics (formerly Invitae), Labcorp
Classification: Uncertain significance for Hereditary nonpolyposis colorectal neoplasms. Last evaluated: 2023-04-10. Review status: criteria provided, single submitter. Criteria: Invitae Variant Classification Sherloc (09022015). Collection method: clinical testing. Allele origin: germline.
Comment: In summary, the available evidence is currently insufficient to determine the role of this variant in disease. Therefore, it has been classified as a Variant of Uncertain Significance. Advanced modeling of protein sequence and biophysical properties (such as structural, functional, and spatial information, amino acid conservation, physicochemical variation, residue mobility, and thermodynamic stability) performed at Invitae indicates that this missense variant is not expected to disrupt MSH6 protein function. ClinVar contains an entry for this variant (Variation ID: 1737602). This variant has not been reported in the literature in individuals affected with MSH6-related conditions. This variant is not present in population databases (gnomAD no frequency). This sequence change replaces leucine, which is neutral and non-polar, with serine, which is neutral and polar, at codon 1360 of the MSH6 protein (p.Leu1360Ser).

Ambry Genetics
Classification: Uncertain significance for Hereditary cancer-predisposing syndrome. Last evaluated: 2022-02-03. Review status: criteria provided, single submitter. Criteria: Ambry Variant Classification Scheme 2023. Collection method: clinical testing. Allele origin: germline.
Comment: The p.L1360S variant (also known as c.4079T>C), located in coding exon 10 of the MSH6 gene, results from a T to C substitution at nucleotide position 4079. The leucine at codon 1360 is replaced by serine, an amino acid with dissimilar properties. This amino acid position is well conserved in available vertebrate species. In addition, the in silico prediction for this alteration is inconclusive. Since supporting evidence is limited at this time, the clinical significance of this alteration remains unclear.

NM_000179.3(MSH6):c.4079T>C (p.Leu1360Ser)

Gene: MSH6 (mutS homolog 6; plus strand). Cytogenetic location: 2p16.3.
Variant type: single nucleotide variant.
Coding change: c.4079T>C on transcript NM_000179.3 (MANE Select); coding-DNA position 4079, T replaced by C.
Protein change: p.Leu1360Ser; replaces leucine 1360 with serine.
Molecular consequence: missense variant.
Genome position (GRCh38, 1-based): chr2:47,806,856, T>C. VCF-style: chr2-47806856-T-C. GRCh37 (hg19) VCF-style: chr2-48033995-T-C.
Other names: c.3689T>C, p.Leu1230Ser (NM_001281492.2); c.3173T>C, p.Leu1058Ser (NM_001281493.2, NM_001281494.2, NM_001406814.1 and 6 more transcripts); c.4175T>C, p.Leu1392Ser (NM_001406795.1); c.4079T>C, p.Leu1360Ser (NM_001406796.1, NM_001406809.1); c.3782T>C, p.Leu1261Ser (NM_001406797.1, NM_001406818.1, NM_001406819.1 and 8 more transcripts); c.3905T>C, p.Leu1302Ser (NM_001406798.1); c.3554T>C, p.Leu1185Ser (NM_001406799.1, NM_001406806.1, NM_001406807.1); c.*100T>C (NM_001406800.1); and 9 more; short protein forms L1072S, L1185S, L1302S, L675S, L1058S, L1334S, L1360S, L1261S.
Identifiers: ClinVar variation 1737602 (VCV001737602.3), dbSNP rs2530900922, ClinGen allele CA346761773.
Genomic context (GRCh38, chr2:47,806,856, plus strand): 5'-GTGAAAGGTCAACTGTAGATGCTGAAGCTGTCCATAAATTGCTGACTTTGATTAAGGAAT[T>C]ATAGACTGACTACATTGGAAGCTTTGAGTTGACTTCTGACAAAGGTGGTAAATTCAGACA-3'
Protein context (NP_000170.1, residues 1350-1360): VHKLLTLIKE[Leu1360Ser]